The following is an entry in ClinVar:

ClinVar aggregate classification (germline): Likely benign (1 of 4 stars; one submission).

Conditions:
PAX7-related disorder. Also called: PAX7-related condition.

gnomAD v4.1: 13 of 1,613,630 alleles (0.00081%); highest among the groups gnomAD compares: East Asian, 0.0022%; no homozygotes.

Submission:

PreventionGenetics, part of Exact Sciences
Classification: Likely benign for PAX7-related condition. Last evaluated: 2026-03-30. Review status: criteria provided, single submitter. Criteria: ACMG Guidelines, 2015. Collection method: clinical testing. Allele origin: germline.
Comment: This variant is classified as likely benign based on ACMG/AMP sequence variant interpretation guidelines (Richards et al. 2015 PMID: 25741868, with internal and published modifications).

NM_001135254.2(PAX7):c.678C>T (p.Ala226=)

Gene: PAX7 (paired box 7; plus strand). Cytogenetic location: 1p36.13.
Variant type: single nucleotide variant.
Coding change: c.678C>T on transcript NM_001135254.2 (MANE Select); coding-DNA position 678, C replaced by T.
Protein change: p.Ala226=; no amino-acid change (alanine 226 retained).
Molecular consequence: synonymous variant.
Genome position (GRCh38, 1-based): chr1:18,691,845, C>T. VCF-style: chr1-18691845-C-T. GRCh37 (hg19) VCF-style: chr1-19018339-C-T.
Other names: c.678C>T, p.Ala226= (NM_002584.3); c.672C>T, p.Ala224= (NM_013945.3).
Identifiers: ClinVar variation 4986598 (VCV004986598.1).